The following is an entry in ClinVar:

ClinVar aggregate classification (germline): Benign. Review status: criteria provided, multiple submitters, no conflicts (2 of 4 stars). 3 submissions from 3 submitters: Benign (3). Last evaluated 2026-02-01.

Conditions:
Retinitis pigmentosa (RP). Identifiers: Orphanet 791, MedGen C0035334, MeSH D012174, MONDO:0019200, OMIM 268000. Inheritance: Autosomal dominant, autosomal recessive and X linked inheritance.

Allele frequency attached by ClinVar (database versions not stated): gnomAD exomes 0.00379 and 0.00905; ExAC 0.01109; gnomAD 0.03434 and 0.03658; TOPMed 0.03810; ESP Exome Variant Server 0.03921; 1000 Genomes Project 0.04413; 1000 Genomes Project 30x 0.04638.
gnomAD v4.1: 11,012 of 1,613,890 alleles (0.68%); highest among the groups gnomAD compares: African/African-American, 12%; 602 homozygotes.

Submissions (3):

Labcorp Genetics (formerly Invitae), Labcorp
Classification: Benign. Last evaluated: 2026-02-01. Review status: criteria provided, single submitter. Criteria: Invitae Variant Classification Sherloc (09022015). Collection method: clinical testing. Allele origin: germline.

Illumina Laboratory Services, Illumina
Classification: Benign for Retinitis pigmentosa. Last evaluated: 2018-01-13. Review status: criteria provided, single submitter. Criteria: ICSL Variant Classification Criteria 13 December 2019. Collection method: clinical testing. Allele origin: germline.
Comment: This variant was observed in the ICSL laboratory as part of a predisposition screen in an ostensibly healthy population. It had not been previously curated by ICSL or reported in the Human Gene Mutation Database (HGMD: prior to June 1st, 2018), and was therefore a candidate for classification through an automated scoring system. Utilizing variant allele frequency, disease prevalence and penetrance estimates, and inheritance mode, an automated score was calculated to assess if this variant is too frequent to cause the disease. Based on the score and internal cut-off values, a variant classified as benign is not then subjected to further curation. The score for this variant resulted in a classification of benign for this disease.

Breakthrough Genomics
Classification: Benign. Review status: criteria provided, single submitter. Criteria: ACMG Guidelines, 2015. Collection method: not provided. Allele origin: germline. Inheritance: Autosomal dominant inheritance. Affected: yes.

NM_004698.4(PRPF3):c.378C>T (p.Ile126=)

Gene: PRPF3 (pre-mRNA processing factor 3; plus strand). Cytogenetic location: 1q21.2.
Variant type: single nucleotide variant.
Coding change: c.378C>T on transcript NM_004698.4 (MANE Select); coding-DNA position 378, C replaced by T.
Protein change: p.Ile126=; no amino-acid change (isoleucine 126 retained).
Molecular consequence: synonymous variant. On other transcripts: 5 prime UTR variant (1), non-coding transcript variant (4).
Genome position (GRCh38, 1-based): chr1:150,328,421, C>T. VCF-style: chr1-150328421-C-T. GRCh37 (hg19) VCF-style: chr1-150300880-C-T.
Other names: c.-28C>T (NM_001350529.1).
Identifiers: ClinVar variation 292496 (VCV000292496.14), dbSNP rs59082627, ClinGen allele CA1075422.